The following is an entry in ClinVar:

NM_024334.3(TMEM43):c.59G>A (p.Ser20Asn)

Gene: TMEM43 (transmembrane protein 43; plus strand). Cytogenetic location: 3p25.1.
Variant type: single nucleotide variant.
Coding change: c.59G>A on transcript NM_024334.3 (MANE Select); coding-DNA position 59, G replaced by A.
Protein change: p.Ser20Asn; replaces serine 20 with asparagine.
Molecular consequence: missense variant. On other transcripts: intron variant (1).
Genome position (GRCh38, 1-based): chr3:14,129,458, G>A. VCF-style: chr3-14129458-G-A. GRCh37 (hg19) VCF-style: chr3-14170958-G-A.
Other names: c.59G>A, p.Ser20Asn (NM_001407274.1, NM_001407275.1, NM_001407276.1 and 3 more transcripts); c.13-1364G>A (NM_001407280.1); short protein forms S20N.
Identifiers: ClinVar variation 2837760 (VCV002837760.3), dbSNP rs1261978753, ClinGen allele CA351534250.

ClinVar aggregate classification (germline): Uncertain significance (1 of 4 stars; one submission).

Conditions:
Arrhythmogenic right ventricular dysplasia 5. Also called: ARRHYTHMOGENIC RIGHT VENTRICULAR DYSPLASIA, FAMILIAL, 5; Arrhythmogenic Right Ventricular Dysplasia/Cardiomyopathy 5. Identifiers: MedGen C1858379, MONDO:0011459, OMIM 604400.

gnomAD v4.1: 1 of 1,613,852 alleles (0.000062%); highest among the groups gnomAD compares: Non-Finnish European, 0.000085%; no homozygotes.

Submission:

Labcorp Genetics (formerly Invitae), Labcorp
Classification: Uncertain significance for Arrhythmogenic right ventricular dysplasia 5. Last evaluated: 2023-02-16. Review status: criteria provided, single submitter. Criteria: Invitae Variant Classification Sherloc (09022015). Collection method: clinical testing. Allele origin: germline.
Comment: This sequence change replaces serine, which is neutral and polar, with asparagine, which is neutral and polar, at codon 20 of the TMEM43 protein (p.Ser20Asn). This variant is present in population databases (no rsID available, gnomAD 0.007%). This variant has not been reported in the literature in individuals affected with TMEM43-related conditions. Algorithms developed to predict the effect of missense changes on protein structure and function output the following: SIFT: "Not Available"; PolyPhen-2: "Benign"; Align-GVGD: "Not Available". The asparagine amino acid residue is found in multiple mammalian species, which suggests that this missense change does not adversely affect protein function. In summary, the available evidence is currently insufficient to determine the role of this variant in disease. Therefore, it has been classified as a Variant of Uncertain Significance.